The following is an entry in ClinVar:

NM_004006.3(DMD):c.4729C>T (p.Arg1577Ter)

Gene: DMD (dystrophin; minus strand). Cytogenetic location: Xp21.1.
Variant type: single nucleotide variant.
Coding change: c.4729C>T on transcript NM_004006.3 (MANE Select); coding-DNA position 4729, C replaced by T.
Protein change: p.Arg1577Ter; replaces arginine 1577 with a stop codon.
Molecular consequence: nonsense.
Genome position (GRCh38, 1-based): chrX:32,380,626, G>A on the plus strand (C>T on the coding strand, the complement: DMD is on the minus strand). VCF-style: chrX-32380626-G-A. GRCh37 (hg19) VCF-style: chrX-32398743-G-A.
Other names: c.4705C>T, p.Arg1569Ter (NM_000109.4); c.4717C>T, p.Arg1573Ter (NM_004009.3); c.4360C>T, p.Arg1454Ter (NM_004010.3); c.706C>T, p.Arg236Ter (NM_004011.4); c.697C>T, p.Arg233Ter (NM_004012.4); short protein forms R1577*, R1454*, R233*, R1569*, R1573*, R236*.
Identifiers: ClinVar variation 217199 (VCV000217199.24), dbSNP rs863224999, ClinGen allele CA347565.

ClinVar aggregate classification (germline): Pathogenic. Review status: criteria provided, multiple submitters, no conflicts (2 of 4 stars). 11 submissions from 11 submitters: Pathogenic (11). Last evaluated 2026-01-06.

Conditions:
Becker muscular dystrophy, Cardiomyopathy, Duchenne muscular dystrophy, Dystrophin deficiency.
DMD-related disorder. Also called: DMD-related condition.
Cardiovascular phenotype. Identifiers: MedGen CN230736.
Neuromuscular disease caused by qualitative or quantitative defects of dystrophin. Also called: Qualitative or quantitative defects of dystrophin. Identifiers: Orphanet 207085, MedGen C5679787, MONDO:0016147.
Dilated cardiomyopathy 3B (CMD3B). Also called: CMD3B: DMD-Related Dilated Cardiomyopathy; CARDIOMYOPATHY, DILATED, X-LINKED; DMD-Associated Dilated Cardiomyopathy. Identifiers: Orphanet 154, MedGen C3668940, MONDO:0010542, OMIM 302045.
Duchenne muscular dystrophy (DMD). Also called: MUSCULAR DYSTROPHY, PSEUDOHYPERTROPHIC PROGRESSIVE, DUCHENNE TYPE; Duchenne Muscular Dystrophy (DMD). Identifiers: Orphanet 98896, MedGen C0013264, MONDO:0010679, OMIM 310200.

Submissions (11):

Labcorp Genetics (formerly Invitae), Labcorp
Classification: Pathogenic for Duchenne muscular dystrophy. Last evaluated: 2026-01-06. Review status: criteria provided, single submitter. Criteria: Invitae Variant Classification Sherloc (09022015). Collection method: clinical testing. Allele origin: germline.
Comment: This sequence change creates a premature translational stop signal (p.Arg1577*) in the DMD gene. It is expected to result in an absent or disrupted protein product. Loss-of-function variants in DMD are known to be pathogenic (PMID: 16770791, 25007885). This variant is not present in population databases (gnomAD no frequency). This premature translational stop signal has been observed in individuals with Duchenne muscular dystrophy (PMID: 18652600, 19783145, 20485447, 21515508, 23453023). Invitae Evidence Modeling of clinical and family history, age, sex, and reported ancestry of multiple individuals with this DMD variant has been performed. This variant is expected to be pathogenic with a positive predictive value of at least 99%. This is a validated machine learning model that incorporates the clinical features of 600,801 individuals referred to our laboratory for DMD testing. ClinVar contains an entry for this variant (Variation ID: 217199). For these reasons, this variant has been classified as Pathogenic.

Natera, Inc.
Classification: Pathogenic for Becker muscular dystrophy, Cardiomyopathy, Duchenne muscular dystrophy, Dystrophin deficiency. Last evaluated: 2025-12-25. Review status: criteria provided, single submitter. Criteria: Natera Variant Classification Schema (03/2026). Collection method: clinical testing. Allele origin: germline.
Comment: The c.4729C>T variant in DMD is a nonsense variant predicted to introduce a stop codon at amino acid 1577. This variant is expected to result in nonsense mediated decay, truncation, or a dysfunctional protein product. This variant is rare in the general population with a frequency below the threshold expected for the associated phenotype(s). This variant has been observed in affected individual(s) with monoallelic occurrence (heterozygous/hemizygous) (PMID: 32559196, 31412794). Given the available evidence, this variant is classified as Pathogenic.

Revvity Omics, Revvity
Classification: Pathogenic. Last evaluated: 2025-06-20. Review status: criteria provided, single submitter. Criteria: ACMG Guidelines, 2015. Collection method: clinical testing. Allele origin: germline.

Blueprint Genetics
Classification: Pathogenic for DMD-related disorders. Last evaluated: 2024-03-11. Review status: criteria provided, single submitter. Criteria: ACMG Guidelines, 2015. Collection method: clinical testing. Allele origin: germline. Affected: yes. Observed: 4 variant alleles.

GeneDx
Classification: Pathogenic. Last evaluated: 2023-05-09. Review status: criteria provided, single submitter. Criteria: GeneDx Variant Classification Process June 2021. Collection method: clinical testing. Allele origin: germline. Affected: yes.
Comment: Not observed at significant frequency in large population cohorts (gnomAD); Nonsense variant predicted to result in nonsense mediated decay in a gene for which loss-of-function is a known mechanism of disease; Based on the understanding of this genetic alteration, it may be amenable to nonsense read-through therapy that is currently available or in clinical trial; This variant is associated with the following publications: (PMID: 19783145, 21515508, 21972111, 28503591, 12233050, 20485447, 19937601, 25525159, 23453023, 18652600, 26110187, 28332368, 28318817, 31412794, 32559196, 34297739, 34925456)

Genomic Medicine Lab, University of California San Francisco
Classification: Pathogenic for Dilated cardiomyopathy 3B. Last evaluated: 2023-04-06. Review status: criteria provided, single submitter. Criteria: ACMG Guidelines, 2015. Collection method: clinical testing. Allele origin: unknown. Affected: no.

Laboratory of Medical Genetics, National & Kapodistrian University of Athens
Classification: Pathogenic for Duchenne muscular dystrophy. Last evaluated: 2022-12-16. Review status: criteria provided, single submitter. Criteria: ACMG Guidelines, 2015. Collection method: clinical testing. Allele origin: germline. Affected: yes.
Comment: PVS1, PM2, PP5

Athena Diagnostics
Classification: Pathogenic. Last evaluated: 2020-07-28. Review status: criteria provided, single submitter. Criteria: Athena Diagnostics Criteria. Collection method: clinical testing. Allele origin: unknown.
Comment: The variant creates a premature nonsense codon, and is therefore predicted to result in the loss of a functional protein. Found in at least one patient with expected phenotype for this gene, and not found in general population data.

Ambry Genetics
Classification: Pathogenic for Cardiovascular phenotype. Last evaluated: 2020-04-22. Review status: criteria provided, single submitter. Criteria: Ambry Variant Classification Scheme 2023. Collection method: clinical testing. Allele origin: germline.
Comment: The p.R1577* pathogenic mutation (also known as c.4729C>T), located in coding exon 34 of the DMD gene, results from a C to T substitution at nucleotide position 4729. This changes the amino acid from an arginine to a stop codon within coding exon 34. This alteration has been reported in multiple individuals with Duchenne muscular dystrophy (DMD) (Takeshima Y et al. J. Hum. Genet., 2010 Jun;55:379-88; Sedl&aacute;ckov&aacute; J et al. Neuromuscul. Disord., 2009 Nov;19:749-53; Yang J et al. BMC Med. Genet., 2013 Mar;14:29; Mah JK et al. Can J Neurol Sci, 2011 May;38:465-74; Suh MR et al. Yonsei Med. J., 2017 May;58:613-618; Vieitez I et al. Neurologia Mar;32:377-385; Kong X et al. BMC Med. Genet., 2019 08;20:139; Flanigan KM et al. Hum. Mutat., 2009 Dec;30:1657-66). This alteration is expected to result in loss of function by premature protein truncation or nonsense-mediated mRNA decay. As such, this alteration is interpreted as a disease-causing mutation.

Women's Health and Genetics/Laboratory Corporation of America, LabCorp
Classification: Pathogenic for Dystrophinopathies. Last evaluated: 2019-10-17. Review status: criteria provided, single submitter. Criteria: LabCorp Variant Classification Summary - May 2015. Collection method: clinical testing. Allele origin: germline.
Comment: Variant summary: DMD c.4729C>T (p.Arg1577X) results in a premature termination codon, predicted to cause a truncation of the encoded protein or absence of the protein due to nonsense mediated decay, which are commonly known mechanisms for disease. The variant was absent in 182057 control chromosomes (gnomAD). c.4729C>T has been reported in the literature in multiple individuals affected with Dystrophinopathies. Most of these individuals were affected with DMD (Duchenne Muscular Dystrophy)(e.g. Esterhuizen_2014, Flanigan_2011, Takeshima_2010) .These data indicate that the variant is very likely to be associated with disease. To our knowledge, no experimental evidence demonstrating an impact on protein function has been reported. Three ClinVar submitters (evaluation after 2014) cite the variant as pathogenic. Based on the evidence outlined above, the variant was classified as pathogenic.

Eurofins Ntd Llc (ga)
Classification: Pathogenic. Last evaluated: 2017-01-05. Review status: criteria provided, single submitter. Criteria: EGL Classification Definitions 2015. Collection method: clinical testing. Allele origin: germline.

Literature cited by the submitters: PubMed 16770791 (cited by Labcorp Genetics (formerly Invitae), Labcorp); PubMed 25007885 (cited by Labcorp Genetics (formerly Invitae), Labcorp); PubMed 18652600 (cited by Labcorp Genetics (formerly Invitae), Labcorp); PubMed 19783145 (cited by Labcorp Genetics (formerly Invitae), Labcorp and Ambry Genetics); PubMed 20485447 (cited by 5 submitters); PubMed 21515508 (cited by 4 submitters); PubMed 23453023 (cited by 3 submitters); PubMed 32559196 (cited by Natera, Inc.); PubMed 31412794 (cited by 5 submitters); PubMed 32194622 (cited by Laboratory of Medical Genetics, National & Kapodistrian University of Athens); PubMed 28332368 (cited by Athena Diagnostics and Ambry Genetics); PubMed 25525159 (cited by Athena Diagnostics); PubMed 21972111 (cited by Athena Diagnostics and Women's Health and Genetics/Laboratory Corporation of America, LabCorp); PubMed 19937601 (cited by Athena Diagnostics and Ambry Genetics); PubMed 26110187 (cited by Athena Diagnostics and Women's Health and Genetics/Laboratory Corporation of America, LabCorp); PubMed 26968818 (cited by Ambry Genetics).